The following is an entry in ClinVar:

ClinVar aggregate classification (germline): Likely benign. Review status: criteria provided, multiple submitters, no conflicts (2 of 4 stars). 3 submissions from 3 submitters: Likely benign (3). Last evaluated 2025-02-17.

Conditions:
Neuronal ceroid lipofuscinosis. Also called: Neuronal Ceroid Lipofuscinoses. Identifiers: Orphanet 216, Orphanet 79263, MedGen C0027877, MONDO:0016295. Disease mechanism: loss of function.

Allele frequency attached by ClinVar (database versions not stated): TOPMed below 0.00001; gnomAD exomes 0.00001 and 0.00004.

Submissions (3):

Labcorp Genetics (formerly Invitae), Labcorp
Classification: Likely benign for Neuronal ceroid lipofuscinosis. Last evaluated: 2025-02-17. Review status: criteria provided, single submitter. Criteria: Invitae Variant Classification Sherloc (09022015). Collection method: clinical testing. Allele origin: germline.

Blueprint Genetics
Classification: Likely benign. Last evaluated: 2022-09-20. Review status: criteria provided, single submitter. Criteria: ACMG Guidelines, 2015. Collection method: clinical testing. Allele origin: germline.

GeneDx
Classification: Likely benign. Last evaluated: 2017-06-07. Review status: criteria provided, single submitter. Criteria: GeneDx Variant Classification (06012015). Collection method: clinical testing. Allele origin: germline. Affected: yes.
Comment: This variant is considered likely benign or benign based on one or more of the following criteria: it is a conservative change, it occurs at a poorly conserved position in the protein, it is predicted to be benign by multiple in silico algorithms, and/or has population frequency not consistent with disease.

NM_001042432.2(CLN3):c.304C>T (p.Leu102=)

Gene: CLN3 (CLN3 lysosomal/endosomal transmembrane protein, battenin; minus strand). Cytogenetic location: 16p12.1.
Variant type: single nucleotide variant.
Coding change: c.304C>T on transcript NM_001042432.2 (MANE Select); coding-DNA position 304, C replaced by T.
Protein change: p.Leu102=; no amino-acid change (leucine 102 retained).
Molecular consequence: synonymous variant. On other transcripts: intron variant (1).
Genome position (GRCh38, 1-based): chr16:28,487,732, G>A on the plus strand (C>T on the coding strand, the complement: CLN3 is on the minus strand). VCF-style: chr16-28487732-G-A. GRCh37 (hg19) VCF-style: chr16-28499053-G-A.
Other names: c.304C>T, p.Leu102= (NM_000086.2); c.232C>T, p.Leu78= (NM_001286104.2); c.70C>T, p.Leu24= (NM_001286109.2); c.142C>T, p.Leu48= (NM_001286110.2); c.75-191C>T (NM_001286105.2).
Identifiers: ClinVar variation 510041 (VCV000510041.12), dbSNP rs1167562278, ClinGen allele CA494272777.